The following is an entry in ClinVar:

ClinVar aggregate classification (germline): Uncertain significance (1 of 4 stars; one submission).

Conditions:
Intellectual developmental disorder, autosomal dominant 66. Also called: MENTAL RETARDATION, AUTOSOMAL DOMINANT 66. Identifiers: MedGen C5677000, MONDO:0030891, OMIM 619910.

gnomAD v4.1: 2 of 1,613,982 alleles (0.00012%); highest among the groups gnomAD compares: Non-Finnish European, 0.00017%; no homozygotes.

Submission:

OLLIN Analises Genomicas, OLLIN
Classification: Uncertain significance for Intellectual developmental disorder, autosomal dominant 66. Last evaluated: 2025-10-27. Review status: criteria provided, single submitter. Criteria: ACMG Guidelines 2015 PMID 25741868. Collection method: clinical testing. Allele origin: germline. Affected: yes. Observed: 1 variant allele.
Comment: The missense variant (chr12:89635095A>G), located in exon 4 (of 21), has an allele frequency of 0.0001239% in gnomAD v4.1 non-UKB, but is not reported in ClinVar, nor was it found in the scientific literature. This variant is in a known mutational hotspot, and in silico analysis predicts a deleterious effect. Additionally, the ATP2B1 gene shows low tolerance to missense variants. According to currently available evidence, this variant has been classified as of uncertain significance (VUS - PM1, PP2, PP3_M).

NM_001366521.1(ATP2B1):c.563T>C (p.Ile188Thr)

Gene: ATP2B1 (ATPase plasma membrane Ca2+ transporting 1; minus strand). Cytogenetic location: 12q21.33.
Variant type: single nucleotide variant.
Coding change: c.563T>C on transcript NM_001366521.1 (MANE Select); coding-DNA position 563, T replaced by C.
Protein change: p.Ile188Thr; replaces isoleucine 188 with threonine.
Molecular consequence: missense variant. On other transcripts: non-coding transcript variant (3), intron variant (7).
Genome position (GRCh38, 1-based): chr12:89,635,095, A>G on the plus strand (T>C on the coding strand, the complement: ATP2B1 is on the minus strand). VCF-style: chr12-89635095-A-G. GRCh37 (hg19) VCF-style: chr12-90028872-A-G.
Other names: c.365T>C, p.Ile122Thr (NM_001366530.1, NM_001413053.1); c.563T>C, p.Ile188Thr (NM_001413046.1, NM_001413047.1, NM_001413048.1 and 17 more transcripts); c.406+7063T>C (NM_001413060.1, NM_001366531.1, NM_001413058.1 and 2 more transcripts); c.407-192T>C (NM_001413056.1); c.209-192T>C (NM_001413057.1); short protein forms I122T, I188T.
Identifiers: ClinVar variation 4814117 (VCV004814117.1).